The following is an entry in ClinVar:

NM_020975.6(RET):c.1207C>T (p.His403Tyr)

Gene: RET (ret proto-oncogene; plus strand). Cytogenetic location: 10q11.21.
Variant type: single nucleotide variant.
Coding change: c.1207C>T on transcript NM_020975.6 (MANE Select); coding-DNA position 1207, C replaced by T.
Protein change: p.His403Tyr; replaces histidine 403 with tyrosine.
Molecular consequence: missense variant.
Genome position (GRCh38, 1-based): chr10:43,109,174, C>T. VCF-style: chr10-43109174-C-T. GRCh37 (hg19) VCF-style: chr10-43604622-C-T.
Other names: c.1207C>T, p.His403Tyr (NM_000323.2, NM_001406743.1, NM_001406744.1 and 6 more transcripts); c.445C>T, p.His149Tyr (NM_001355216.2); c.1078C>T, p.His360Tyr (NM_001406761.1, NM_001406762.1, NM_001406764.1 and 1 more transcripts); c.919C>T, p.His307Tyr (NM_001406766.1, NM_001406767.1, NM_001406770.1); c.769C>T, p.His257Tyr (NM_001406771.1, NM_001406773.1); c.481C>T, p.His161Tyr (NM_001406775.1, NM_001406776.1, NM_001406777.1 and 1 more transcripts); c.217C>T, p.His73Tyr (NM_001406784.1); short protein forms H149Y, H403Y, H161Y, H73Y, H360Y, H257Y, H307Y.
Identifiers: ClinVar variation 1525236 (VCV001525236.10), dbSNP rs1449633271, ClinGen allele CA376547809.

ClinVar aggregate classification (germline): Uncertain significance. Review status: criteria provided, multiple submitters, no conflicts (2 of 4 stars). 3 submissions from 3 submitters: Uncertain significance (2). 1 of the submissions does not count toward it. Last evaluated 2025-08-11.

Conditions:
RET-related disorder. Also called: RET-related disorders; RET-related condition; RET-related disease.
Multiple endocrine neoplasia, type 2 (MEN2). Identifiers: Orphanet 653, MedGen C4048306, MONDO:0019003. Disease mechanism: gain of function.
Hereditary cancer-predisposing syndrome. Also called: Neoplastic Syndromes, Hereditary; Hereditary Cancer Syndrome; Tumor predisposition; Hereditary neoplastic syndrome. Identifiers: Orphanet 140162, MedGen C0027672, MeSH D009386, MONDO:0015356.

Allele frequency attached by ClinVar (database versions not stated): gnomAD exomes below 0.00001 and 0.00001.

Submissions (3):

Labcorp Genetics (formerly Invitae), Labcorp
Classification: Uncertain significance for Multiple endocrine neoplasia, type 2. Last evaluated: 2025-08-11. Review status: criteria provided, single submitter. Criteria: Invitae Variant Classification Sherloc (09022015). Collection method: clinical testing. Allele origin: germline.
Comment: This sequence change replaces histidine, which is basic and polar, with tyrosine, which is neutral and polar, at codon 403 of the RET protein (p.His403Tyr). This variant is present in population databases (no rsID available, gnomAD 0.0009%). This variant has not been reported in the literature in individuals affected with RET-related conditions. ClinVar contains an entry for this variant (Variation ID: 1525236). An algorithm developed to predict the effect of missense changes on protein structure and function (PolyPhen-2) suggests that this variant is likely to be tolerated. In summary, the available evidence is currently insufficient to determine the role of this variant in disease. Therefore, it has been classified as a Variant of Uncertain Significance.

Ambry Genetics
Classification: Uncertain significance for Hereditary cancer-predisposing syndrome. Last evaluated: 2021-07-01. Review status: criteria provided, single submitter. Criteria: Ambry Variant Classification Scheme 2023. Collection method: clinical testing. Allele origin: germline.
Comment: The p.H403Y variant (also known as c.1207C>T), located in coding exon 6 of the RET gene, results from a C to T substitution at nucleotide position 1207. The histidine at codon 403 is replaced by tyrosine, an amino acid with similar properties. This amino acid position is poorly conserved in available vertebrate species. In addition, this alteration is predicted to be tolerated by in silico analysis. Since supporting evidence is limited at this time, the clinical significance of this alteration remains unclear.

PreventionGenetics, part of Exact Sciences
Classification: Uncertain significance for RET-related condition. Last evaluated: 2024-09-05. Review status: no assertion criteria provided. Collection method: clinical testing. Allele origin: germline. Not counted in ClinVar's aggregate classification.
Comment: The RET c.1207C>T variant is predicted to result in the amino acid substitution p.His403Tyr. To our knowledge, this variant has not been reported in the literature. This variant is reported in 0.00088% of alleles in individuals of European (non-Finnish) descent in gnomAD. At this time, the clinical significance of this variant is uncertain due to the absence of conclusive functional and genetic evidence.